The following is an entry in ClinVar:

ClinVar aggregate classification (germline): Uncertain significance (1 of 4 stars; one submission).

Submission:

CeGaT Center for Human Genetics Tuebingen
Classification: Uncertain significance. Last evaluated: 2026-02-01. Review status: criteria provided, single submitter. Criteria: CeGaT Center For Human Genetics Tuebingen Variant Classification Criteria Version 2. Collection method: clinical testing. Allele origin: germline. Affected: yes. Observed: 1 variant allele.
Comment: FBN3: PM2

NM_032447.5(FBN3):c.7276A>G (p.Ser2426Gly)

Gene: FBN3 (fibrillin 3; minus strand). Cytogenetic location: 19p13.2.
Variant type: single nucleotide variant.
Coding change: c.7276A>G on transcript NM_032447.5 (MANE Select); coding-DNA position 7276, A replaced by G.
Protein change: p.Ser2426Gly; replaces serine 2426 with glycine.
Molecular consequence: missense variant.
Genome position (GRCh38, 1-based): chr19:8,081,418, T>C on the plus strand (A>G on the coding strand, the complement: FBN3 is on the minus strand). VCF-style: chr19-8081418-T-C. GRCh37 (hg19) VCF-style: chr19-8146302-T-C.
Other names: c.7276A>G, p.Ser2426Gly (NM_001321431.2); short protein forms S2426G.
Identifiers: ClinVar variation 4822285 (VCV004822285.4).
Genomic context (GRCh38, chr19:8,081,418, plus strand): 5'-CTTTGCAGGTCCTGCCATCCTCCTCCAGCAGGTAGCCTCGGGGACAGCTGCACAGGAAAC[T>C]GCCCTTCGTGTTTTTGCAGAGGAAGGTACATGGCTTGGGGACCTGGCTGCACTCATCCAT-3'
Protein context (NP_115823.3, residues 2416-2436): CTFLCKNTKG[Ser2426Gly]FLCSCPRGYL